The following is an entry in ClinVar:

ClinVar aggregate classification (germline): Uncertain significance (1 of 4 stars; one submission).

Conditions:
Ehlers-Danlos syndrome, classic type, 1 (EDSCL1). Also called: EHLERS-DANLOS SYNDROME, GRAVIS TYPE; EHLERS-DANLOS SYNDROME, SEVERE CLASSIC TYPE; Ehlers-Danlos syndrome, type 1; Ehlers-Danlos Syndrome, Classic Type, COL5A1-Related; EDS I. Identifiers: MedGen C0268335, MONDO:0019567, OMIM 130000.

Submission:

Institute of Human Genetics, University of Leipzig Medical Center
Classification: Uncertain significance for Ehlers-Danlos syndrome, classic type, 1. Last evaluated: 2024-10-21. Review status: criteria provided, single submitter. Criteria: ACMG Guidelines, 2015. Collection method: clinical testing. Allele origin: unknown. Inheritance: Autosomal dominant inheritance. Affected: yes.
Comment: Criteria applied: PM2,PP3

NM_000393.5(COL5A2):c.2932-7A>G

Gene: COL5A2 (collagen type V alpha 2 chain; minus strand). Cytogenetic location: 2q32.2.
Variant type: single nucleotide variant.
Coding change: c.2932-7A>G on transcript NM_000393.5 (MANE Select); 7 bases into the intron before coding-DNA position 2932, A replaced by G.
Molecular consequence: intron variant.
Genome position (GRCh38, 1-based): chr2:189,050,683, T>C on the plus strand (A>G on the coding strand, the complement: COL5A2 is on the minus strand). VCF-style: chr2-189050683-T-C. GRCh37 (hg19) VCF-style: chr2-189915409-T-C.
Identifiers: ClinVar variation 3376164 (VCV003376164.3).
Genomic context (GRCh38, chr2:189,050,683, plus strand): 5'-AACAATTCCTCTCTGCCCGGTCGTTCCAGCTGGACCAGGGGGGCCATCTGGACCCTAATG[T>C]TGAGGACAAACTAAAATCAGAAACTATCCAGGGTAAAACTGTACCCAAGGAATTTACAAT-3'